The following is an entry in ClinVar:

ClinVar aggregate classification (germline): Pathogenic/Likely pathogenic. Review status: criteria provided, multiple submitters, no conflicts (2 of 4 stars). 5 submissions from 5 submitters: Pathogenic (4); Likely pathogenic (1). Last evaluated 2025-06-30.

Conditions:
DLG4-related disorder. Also called: DLG4-related condition.
Intellectual developmental disorder 62. Also called: INTELLECTUAL DEVELOPMENTAL DISORDER, AUTOSOMAL DOMINANT 62; MENTAL RETARDATION, AUTOSOMAL DOMINANT 62. Identifiers: MedGen C5394083, MONDO:0032919, OMIM 618793.

Submissions (5):

PreventionGenetics, part of Exact Sciences
Classification: Pathogenic for DLG4-related condition. Last evaluated: 2025-06-30. Review status: criteria provided, single submitter. Criteria: ACMG Guidelines, 2015. Collection method: clinical testing. Allele origin: germline.
Comment: The DLG4 c.1886G>A variant is predicted to result in the amino acid substitution p.Arg629Gln. This variant has been reported as de novo in three individuals with a developmental disorder that included global developmental delay, intellectual disability, epilepsy, ataxia, and hypotonia, and was predicted to create a cryptic splice acceptor site that results in a frameshift and premature protein termination (p.His608Argfs*14, Patient 47, Rodríguez-Palmero et al. 2021. PubMed ID: 33597769; Kassabian et al. 2024. PubMed ID: 38135915). This variant has not been reported in a large population database, indicating this variant is rare. This variant is interpreted as pathogenic.

3billion
Classification: Pathogenic for Intellectual developmental disorder 62. Last evaluated: 2023-09-13. Review status: criteria provided, single submitter. Criteria: ACMG Guidelines, 2015. Collection method: clinical testing. Allele origin: germline. Affected: yes.
Comment: The variant is not observed in the gnomAD v2.1.1 dataset. Predicted Consequence/Location: Missense variant In silico tools predict the variant to alter splicing and produce an abnormal transcript [SpliceAI: 0.99 (>=0.2, moderate evidence for spliceogenicity)]. Same nucleotide change resulting in same amino acid change has been previously reported as pathogenic/likely pathogenic with strong evidence (ClinVar ID: VCV001329902 /PMID: 33597769). The variant has been previously reported as de novo in a similarly affected individual (PMID: 33597769). Therefore, this variant is classified as Pathogenic according to the recommendation of ACMG/AMP guideline.

Tumer Group, Copenhagen University Hospital, Rigshospitalet
Classification: Pathogenic for Intellectual developmental disorder 62. Last evaluated: 2023-02-28. Review status: criteria provided, single submitter. Criteria: ACMG Guidelines, 2015. Collection method: research. Allele origin: de novo. Affected: yes.

Institute of Human Genetics, University of Leipzig Medical Center
Classification: Pathogenic for Intellectual developmental disorder 62. Last evaluated: 2021-12-21. Review status: criteria provided, single submitter. Criteria: ACMG Guidelines, 2015. Collection method: research. Allele origin: de novo. Affected: yes.

Blueprint Genetics
Classification: Likely pathogenic for DLG4-related disorders. Last evaluated: 2021-09-16. Review status: criteria provided, single submitter. Criteria: ACMG Guidelines, 2015. Collection method: clinical testing. Allele origin: de novo. Affected: yes. Observed: 1 variant allele.

Literature cited by the submitters: PubMed 33597769 (cited by 3billion and Institute of Human Genetics, University of Leipzig Medical Center).

NM_001321075.3(DLG4):c.1757G>A (p.Arg586Gln)

Gene: DLG4 (discs large MAGUK scaffold protein 4; minus strand). Cytogenetic location: 17p13.1.
Variant type: single nucleotide variant.
Coding change: c.1757G>A on transcript NM_001321075.3 (MANE Select); coding-DNA position 1757, G replaced by A.
Protein change: p.Arg586Gln; replaces arginine 586 with glutamine.
Molecular consequence: missense variant. On other transcripts: non-coding transcript variant (1).
Genome position (GRCh38, 1-based): chr17:7,193,054, C>T on the plus strand (G>A on the coding strand, the complement: DLG4 is on the minus strand). VCF-style: chr17-7193054-C-T. GRCh37 (hg19) VCF-style: chr17-7096373-C-T.
Other names: c.1748G>A, p.Arg583Gln (NM_001128827.4); c.1877G>A, p.Arg626Gln (NM_001321074.1); c.1577G>A, p.Arg526Gln (NM_001321076.3, NM_001321077.3); c.1886G>A, p.Arg629Gln (NM_001365.5); c.1676G>A, p.Arg559Gln (NM_001369566.3); short protein forms R526Q, R559Q, R583Q, R586Q, R626Q, R629Q.
Identifiers: ClinVar variation 1329902 (VCV001329902.5), dbSNP rs2142821925, ClinGen allele CA397714832.
Genomic context (GRCh38, chr17:7,193,054, plus strand): 5'-CTGTTGTACTGGCCGGCCTCAATGAACTTGTGCGCCTGAATGTCCTTCTCCATTTTCTCC[C>T]GGGACGACACAAAGTGGTAATCCCGGCCATCTATCTCATACTCCCGCTTGGGCCGTGTCG-3'
Protein context (NP_001308004.1, residues 576-596): DGRDYHFVSS[Arg586Gln]EKMEKDIQAH